The following is an entry in ClinVar:

ClinVar aggregate classification (germline): Uncertain significance. Review status: criteria provided, multiple submitters, no conflicts (2 of 4 stars). 4 submissions from 4 submitters: Uncertain significance (3). 1 of the submissions does not count toward it. Last evaluated 2026-05-29.

Conditions:
SMARCAL1-related disorder. Also called: SMARCAL1-related condition.
Schimke immuno-osseous dysplasia (SIOD). Also called: Schimke Immunoosseous Dysplasia. Identifiers: Orphanet 1830, MedGen C0877024, MONDO:0009458, OMIM 242900.

Allele frequency attached by ClinVar (database versions not stated): gnomAD 0.00001; gnomAD exomes 0.00001 and 0.00002; TOPMed 0.00001; ExAC 0.00002; 1000 Genomes Project 30x 0.00016; 1000 Genomes Project 0.00020.

Submissions (4):

PreventionGenetics, part of Exact Sciences
Classification: Uncertain significance for SMARCAL1-related condition. Last evaluated: 2026-05-29. Review status: criteria provided, single submitter. Criteria: ACMG Guidelines, 2015. Collection method: clinical testing. Allele origin: germline.
Comment: The SMARCAL1 c.827C>T variant is predicted to result in the amino acid substitution p.Thr276Met. To our knowledge, this variant has not been reported in the literature. This variant is reported in 0.0098% of alleles in individuals of South Asian descent in gnomAD. At this time, the clinical significance of this variant is uncertain due to the absence of conclusive functional and genetic evidence.

Labcorp Genetics (formerly Invitae), Labcorp
Classification: Uncertain significance for Schimke immuno-osseous dysplasia. Last evaluated: 2022-08-09. Review status: criteria provided, single submitter. Criteria: Invitae Variant Classification Sherloc (09022015). Collection method: clinical testing. Allele origin: germline.
Comment: This sequence change replaces threonine, which is neutral and polar, with methionine, which is neutral and non-polar, at codon 276 of the SMARCAL1 protein (p.Thr276Met). This variant is present in population databases (rs558788774, gnomAD 0.01%). This variant has not been reported in the literature in individuals affected with SMARCAL1-related conditions. ClinVar contains an entry for this variant (Variation ID: 1034972). Algorithms developed to predict the effect of missense changes on protein structure and function output the following: SIFT: "Tolerated"; PolyPhen-2: "Benign"; Align-GVGD: "Class C0". The methionine amino acid residue is found in multiple mammalian species, which suggests that this missense change does not adversely affect protein function. In summary, the available evidence is currently insufficient to determine the role of this variant in disease. Therefore, it has been classified as a Variant of Uncertain Significance.

Fulgent Genetics
Classification: Uncertain significance for Schimke immuno-osseous dysplasia. Last evaluated: 2022-01-10. Review status: criteria provided, single submitter. Criteria: ACMG Guidelines, 2015. Collection method: clinical testing. Allele origin: unknown.

Natera, Inc.
Classification: Uncertain significance for Schimke immuno-osseous dysplasia. Last evaluated: 2021-02-02. Review status: no assertion criteria provided. Collection method: clinical testing. Allele origin: germline. Not counted in ClinVar's aggregate classification.

NM_014140.4(SMARCAL1):c.827C>T (p.Thr276Met)

Gene: SMARCAL1 (SNF2 related chromatin remodeling annealing helicase 1; plus strand). Cytogenetic location: 2q35.
Variant type: single nucleotide variant.
Coding change: c.827C>T on transcript NM_014140.4 (MANE Select); coding-DNA position 827, C replaced by T.
Protein change: p.Thr276Met; replaces threonine 276 with methionine.
Molecular consequence: missense variant.
Genome position (GRCh38, 1-based): chr2:216,416,272, C>T. VCF-style: chr2-216416272-C-T. GRCh37 (hg19) VCF-style: chr2-217280995-C-T.
Other names: c.827C>T, p.Thr276Met (NM_001127207.2); c.827C>T (NM_014140.3); short protein forms T276M.
Identifiers: ClinVar variation 1034972 (VCV001034972.7), dbSNP rs558788774, ClinGen allele CA2097696.